The following is an entry in ClinVar:

ClinVar aggregate classification (germline): Likely pathogenic. Review status: criteria provided, single submitter (1 of 4 stars). 2 submissions from 2 submitters: Likely pathogenic (1). 1 of the submissions does not count toward it. Last evaluated 2025-07-14.

Conditions:
Thrombotic microangiopathy. Identifiers: Orphanet 93573, MedGen C2717961, MeSH D057049, MONDO:0019737.

Submissions (2):

GeneDx
Classification: Likely pathogenic. Last evaluated: 2025-07-14. Review status: criteria provided, single submitter. Criteria: GeneDx Variant Classification Process June 2021. Collection method: clinical testing. Allele origin: germline.
Comment: Frameshift variant predicted to result in abnormal protein length as the last 37 amino acid(s) are replaced with 47 different amino acid(s), and other similar variants have been reported in HGMD; Not observed at significant frequency in large population cohorts (gnomAD); This variant is associated with the following publications: (PMID: 26691497, 29941221)

Yale Center for Mendelian Genomics, Yale University
Classification: Likely pathogenic for Thrombotic microangiopathy. Last evaluated: 2018-12-01. Review status: no assertion criteria provided. Collection method: literature only. Allele origin: germline. Affected: yes. Observed: 3 heterozygotes. Study: Yale Center for Mendelian Genomics. Not counted in ClinVar's aggregate classification.

Literature cited by the submitters: PubMed 29941221 (cited by Yale Center for Mendelian Genomics, Yale University).

NM_033629.6(TREX1):c.830_833dup (p.Asp278fs)

Genes: ATRIP (ATR interacting protein; plus strand), ATRIP-TREX1 (ATRIP-TREX1 readthrough; plus strand), TREX1 (three prime repair exonuclease 1; plus strand). Cytogenetic location: 3p21.31.
Variant type: Duplication.
Coding change: c.830_833dup on transcript NM_033629.6 (MANE Select); coding-DNA positions 830 to 833, 4 bases duplicated (AGGA; older notation c.830_833dupAGGA).
Protein change: p.Asp278fs; shifts the reading frame from aspartic acid 278.
Molecular consequence: frameshift variant. On other transcripts: non-coding transcript variant (1), 3 prime UTR variant (4).
Genome position (GRCh38, 1-based): chr3:48,467,485-48,467,488, AGGA duplicated; duplicating any 4 consecutive bases within chr3:48,467,483-48,467,488 gives the same sequence; the c. name uses the placement nearest the transcript's 3' end. VCF-style (leftmost placement, unchanged base first): chr3-48467482-T-TGAAG. GRCh37 (hg19) VCF-style: chr3-48508881-T-TGAAG.
Other names: c.800_803dup, p.Asp268fs (NM_007248.5); c.*1931_*1934dup (NM_001271022.2, NM_001271023.2, NM_032166.4 and 1 more transcripts); c.830_833dup (NM_033629.2); short protein forms D268fs, D278fs.
Identifiers: ClinVar variation 1344583 (VCV001344583.3), dbSNP rs2107265602, ClinGen allele CA2573137197.